The following is an entry in ClinVar:

NM_152384.3(BBS5):c.979T>C (p.Leu327=)

Gene: BBS5 (Bardet-Biedl syndrome 5; plus strand). Cytogenetic location: 2q31.1.
Variant type: single nucleotide variant.
Coding change: c.979T>C on transcript NM_152384.3 (MANE Select); coding-DNA position 979, T replaced by C.
Protein change: p.Leu327=; no amino-acid change (leucine 327 retained).
Molecular consequence: synonymous variant.
Genome position (GRCh38, 1-based): chr2:169,504,535, T>C. VCF-style: chr2-169504535-T-C. GRCh37 (hg19) VCF-style: chr2-170361045-T-C.
Other names: c.979T>C (NM_152384.2).
Identifiers: ClinVar variation 1090990 (VCV001090990.12), dbSNP rs371959839, ClinGen allele CA1956403.
Genomic context (GRCh38, chr2:169,504,535, plus strand): 5'-AAAAAGCAACAAGATCGTGAACCTGTATTTTCAGAAGAACTGGGGCTTGCAATAGAGAAA[T>C]TGAAGGATGGATTCACCCTACAGGGACTTTGGGAAGTAATGAGTTGATTGACCTTGAGTT-3'
Protein context (NP_689597.1, residues 317-337): SEELGLAIEK[Leu327=]KDGFTLQGLW

ClinVar aggregate classification (germline): Likely benign. Review status: criteria provided, multiple submitters, no conflicts (2 of 4 stars). 3 submissions from 3 submitters: Likely benign (2). 1 of the submissions does not count toward it. Last evaluated 2025-05-15.

Conditions:
BBS5-related disorder. Also called: BBS5-related condition.
Bardet-Biedl syndrome (BBS). Identifiers: Orphanet 110, MedGen C0752166, MONDO:0015229.

Allele frequency attached by ClinVar (database versions not stated): gnomAD exomes 0.00001 and 0.00002; ExAC 0.00002; gnomAD 0.00002; TOPMed 0.00002; ESP Exome Variant Server 0.00008.
gnomAD v4.1: 23 of 1,613,960 alleles (0.0014%); highest among the groups gnomAD compares: East Asian, 0.011%; no homozygotes.

Submissions (3):

Labcorp Genetics (formerly Invitae), Labcorp
Classification: Likely benign for Bardet-Biedl syndrome. Last evaluated: 2025-05-15. Review status: criteria provided, single submitter. Criteria: Invitae Variant Classification Sherloc (09022015). Collection method: clinical testing. Allele origin: germline.

Blueprint Genetics
Classification: Likely benign. Last evaluated: 2021-10-19. Review status: criteria provided, single submitter. Criteria: ACMG Guidelines, 2015. Collection method: clinical testing. Allele origin: germline.

PreventionGenetics, part of Exact Sciences
Classification: Likely benign for BBS5-related condition. Last evaluated: 2023-01-31. Review status: no assertion criteria provided. Collection method: clinical testing. Allele origin: germline. Not counted in ClinVar's aggregate classification.
Comment: This variant is classified as likely benign based on ACMG/AMP sequence variant interpretation guidelines (Richards et al. 2015 PMID: 25741868, with internal and published modifications).